The following is an entry in ClinVar:

NM_000038.6(APC):c.2451C>T (p.Gly817=)

Gene: APC (APC regulator of Wnt signaling pathway; plus strand). Cytogenetic location: 5q22.2.
Variant type: single nucleotide variant.
Coding change: c.2451C>T on transcript NM_000038.6 (MANE Select); coding-DNA position 2451, C replaced by T.
Protein change: p.Gly817=; no amino-acid change (glycine 817 retained).
Molecular consequence: synonymous variant. On other transcripts: non-coding transcript variant (2).
Genome position (GRCh38, 1-based): chr5:112,838,045, C>T. VCF-style: chr5-112838045-C-T. GRCh37 (hg19) VCF-style: chr5-112173742-C-T.
Other names: c.2451C>T, p.Gly817= (NM_001127510.3, NM_001354895.2, NM_001407450.1); c.2397C>T, p.Gly799= (NM_001127511.3); c.2505C>T, p.Gly835= (NM_001354896.2, NM_001407447.1, NM_001407448.1 and 1 more transcripts); c.2481C>T, p.Gly827= (NM_001354897.2); c.2376C>T, p.Gly792= (NM_001354898.2); c.2367C>T, p.Gly789= (NM_001354899.2); c.2328C>T, p.Gly776= (NM_001354900.2); c.2274C>T, p.Gly758= (NM_001354901.2, NM_001407453.1); and 11 more.
Identifiers: ClinVar variation 3148021 (VCV003148021.1), dbSNP rs1169381951, ClinGen allele CA445963500.

ClinVar aggregate classification (germline): Benign (1 of 4 stars; one submission).

Conditions:
Familial adenomatous polyposis 1 (FAP1). Also called: POLYPOSIS, ADENOMATOUS INTESTINAL; FAMILIAL ADENOMATOUS POLYPOSIS 1, ATTENUATED. Identifiers: MedGen C2713442, MONDO:0021056, OMIM 175100. Disease mechanism: loss of function.

Allele frequency attached by ClinVar (database versions not stated): gnomAD exomes below 0.00001; TOPMed below 0.00001.
gnomAD v4.1: 1 of 1,614,116 alleles (0.000062%); highest among the groups gnomAD compares: Non-Finnish European, 0.000085%; no homozygotes.

Submission:

Myriad Genetics, Inc.
Classification: Benign for Familial adenomatous polyposis 1. Last evaluated: 2024-03-12. Review status: criteria provided, single submitter. Criteria: Myriad Autosomal Dominant, Autosomal Recessive and X-Linked Classification Criteria (2023). Collection method: clinical testing. Allele origin: unknown.
Comment: This variant is considered benign. This variant is a silent/synonymous amino acid change and it is not expected to impact splicing.